The following is an entry in ClinVar:

NM_005026.5(PIK3CD):c.1708del (p.Ser570fs)

Gene: PIK3CD (phosphatidylinositol-4,5-bisphosphate 3-kinase catalytic subunit delta; plus strand). Cytogenetic location: 1p36.22.
Variant type: Deletion.
Coding change: c.1708del on transcript NM_005026.5 (MANE Select); coding-DNA position 1708, one base deleted (T; older notation c.1708delT).
Protein change: p.Ser570fs; shifts the reading frame from serine 570.
Molecular consequence: frameshift variant.
Genome position (GRCh38, 1-based): chr1:9,721,145, T deleted. VCF-style (leftmost placement, unchanged base first): chr1-9721144-CT-C. GRCh37 (hg19) VCF-style: chr1-9781202-CT-C.
Other names: c.1705del, p.Ser569fs (NM_001350234.2); c.1621del, p.Ser541fs (NM_001350235.1); short protein forms S569fs, S570fs, S541fs.
Identifiers: ClinVar variation 3723252 (VCV003723252.2).

ClinVar aggregate classification (germline): Pathogenic (1 of 4 stars; one submission).

Conditions:
Immunodeficiency 14 (IMD14A). Also called: IMMUNODEFICIENCY 14A WITH LYMPHOPROLIFERATION, AUTOSOMAL DOMINANT; p110-DELTA-ACTIVATING MUTATION CAUSING SENESCENT T CELLS, LYMPHADENOPATHY, AND IMMUNODEFICIENCY; ACTIVATED PI3K-DELTA SYNDROME 1; Activated PI3K Delta Syndrome Type 1 (APDS1). Identifiers: Orphanet 397596, Orphanet 693661, MedGen C5907821, MONDO:0014222, OMIM 615513.

Submission:

Labcorp Genetics (formerly Invitae), Labcorp
Classification: Pathogenic for Activated PI3K-delta syndrome. Last evaluated: 2025-06-17. Review status: criteria provided, single submitter. Criteria: Invitae Variant Classification Sherloc (09022015). Collection method: clinical testing. Allele origin: germline.
Comment: This sequence change creates a premature translational stop signal (p.Ser570Profs*8) in the PIK3CD gene. It is expected to result in an absent or disrupted protein product. Loss-of-function variants in PIK3CD are known to be pathogenic (PMID: 30040974, 31073077). This variant is not present in population databases (gnomAD no frequency). This variant has not been reported in the literature in individuals affected with PIK3CD-related conditions. ClinVar contains an entry for this variant (Variation ID: 3723252). For these reasons, this variant has been classified as Pathogenic.

Literature cited by the submitters: PubMed 30040974; PubMed 31073077.